The following is an entry in ClinVar:

NM_022168.4(IFIH1):c.2068del (p.Leu690fs)

Gene: IFIH1 (interferon induced with helicase C domain 1; minus strand). Cytogenetic location: 2q24.2.
Variant type: Deletion.
Coding change: c.2068del on transcript NM_022168.4 (MANE Select); coding-DNA position 2068, one base deleted (C; older notation c.2068delC).
Protein change: p.Leu690fs; shifts the reading frame from leucine 690.
Molecular consequence: frameshift variant.
Genome position (GRCh38, 1-based): chr2:162,276,923, G deleted on the plus strand (C on the coding strand, the reverse complement: IFIH1 is on the minus strand). VCF-style (leftmost placement, unchanged base first): chr2-162276922-AG-A. GRCh37 (hg19) VCF-style: chr2-163133432-AG-A.
Other names: c.2068delC (NM_022168.4); short protein forms L690fs.
Identifiers: ClinVar variation 2937086 (VCV002937086.4), dbSNP rs1558865663, ClinGen allele CA537507521.

ClinVar aggregate classification (germline): Conflicting classifications of pathogenicity. Review status: criteria provided, conflicting classifications (1 of 4 stars). 2 submissions from 2 submitters: Likely pathogenic (1); Uncertain significance (1). Last evaluated 2026-01-30.

Conditions:
Immunodeficiency 95 (IMD95). Identifiers: MedGen C5676929, MONDO:0030692, OMIM 619773.
Singleton-Merten syndrome 1 (SGMRT1). Also called: Widened medullary cavities of bone, aortic calcification, abnormal dentition, and muscular weakness; Syndrome of widened medullary cavities of the metacarpals and phalanges, aortic calcification and abnormal dentition. Identifiers: Orphanet 85191, MedGen C4225427, MONDO:0024535, OMIM 182250.
Aicardi-Goutieres syndrome 7 (AGS7). Identifiers: Orphanet 51, MedGen C3888244, MONDO:0014367, OMIM 615846.

Allele frequency attached by ClinVar (database versions not stated): gnomAD exomes below 0.00001; TOPMed below 0.00001.

Submissions (2):

Labcorp Genetics (formerly Invitae), Labcorp
Classification: Uncertain significance for Aicardi-Goutieres syndrome 7; Singleton-Merten syndrome 1. Last evaluated: 2026-01-30. Review status: criteria provided, single submitter. Criteria: Invitae Variant Classification Sherloc (09022015). Collection method: clinical testing. Allele origin: germline.
Comment: This sequence change creates a premature translational stop signal (p.Leu690Trpfs*12) in the IFIH1 gene. It is expected to result in an absent or disrupted protein product. However, the current clinical and genetic evidence is not sufficient to establish whether loss-of-function variants in IFIH1 cause disease. This variant is present in population databases (no rsID available, gnomAD 0.003%). This variant has not been reported in the literature in individuals affected with IFIH1-related conditions. ClinVar contains an entry for this variant (Variation ID: 2937086). In summary, the available evidence is currently insufficient to determine the role of this variant in disease. Therefore, it has been classified as a Variant of Uncertain Significance.

First Genomix Gene Laboratory, Genetic Diagnostics Department
Classification: Likely pathogenic for Immunodeficiency 95. Last evaluated: 2025-06-02. Review status: criteria provided, single submitter. Criteria: ACMG Guidelines, 2015. Collection method: clinical testing. Allele origin: germline. Inheritance: Autosomal recessive inheritance. Affected: no. Observed: 1 variant allele.